The following is an entry in ClinVar:

NM_001378156.1(C1QB):c.556C>T (p.Arg186Trp)

Gene: C1QB (complement C1q B chain; plus strand). Cytogenetic location: 1p36.12.
Variant type: single nucleotide variant.
Coding change: c.556C>T on transcript NM_001378156.1 (MANE Select); coding-DNA position 556, C replaced by T.
Protein change: p.Arg186Trp; replaces arginine 186 with tryptophan.
Molecular consequence: missense variant.
Genome position (GRCh38, 1-based): chr1:22,661,186, C>T. VCF-style: chr1-22661186-C-T. GRCh37 (hg19) VCF-style: chr1-22987679-C-T.
Other names: c.562C>T, p.Arg188Trp (NM_000491.5); c.556C>T, p.Arg186Trp (NM_001371184.3); short protein forms R186W, R188W.
Identifiers: ClinVar variation 1421567 (VCV001421567.7), dbSNP rs772220643, ClinGen allele CA678188.

ClinVar aggregate classification (germline): Uncertain significance (1 of 4 stars; one submission).

Allele frequency attached by ClinVar (database versions not stated): gnomAD 0.00001; ExAC 0.00002; gnomAD exomes 0.00003.

Submission:

Labcorp Genetics (formerly Invitae), Labcorp
Classification: Uncertain significance. Last evaluated: 2022-08-16. Review status: criteria provided, single submitter. Criteria: Invitae Variant Classification Sherloc (09022015). Collection method: clinical testing. Allele origin: germline.
Comment: In summary, the available evidence is currently insufficient to determine the role of this variant in disease. Therefore, it has been classified as a Variant of Uncertain Significance. Algorithms developed to predict the effect of missense changes on protein structure and function are either unavailable or do not agree on the potential impact of this missense change (SIFT: "Deleterious"; PolyPhen-2: "Benign"; Align-GVGD: "Class C0"). ClinVar contains an entry for this variant (Variation ID: 1421567). This variant has not been reported in the literature in individuals affected with C1QB-related conditions. This variant is present in population databases (rs772220643, gnomAD 0.006%). This sequence change replaces arginine, which is basic and polar, with tryptophan, which is neutral and slightly polar, at codon 188 of the C1QB protein (p.Arg188Trp).